The following is an entry in ClinVar:

ClinVar aggregate classification (germline): not provided (0 of 4 stars; one submission).

Conditions:
Normal pregnancy. Identifiers: MedGen C0232989.

Submission:

Institute of Molecular and Cell Biology, University of Tartu
No classification provided. Condition: Normal pregnancy. Review status: no classification provided. Collection method: case-control. Allele origin: unknown. Affected: yes. Study: Kasak2014.
Comment: The study aimed to determine the contribution of copy number variants in the genetic etiology of normal and complicated pregnancies. The samples represented (i) maternal blood DNA drawn from healthy pregnant women during 1st or 2nd trimester and (ii) maternal and paternal blood DNA drawn at term pregnancy cases representing normal and complicated gestations (severe preeclampsia, PE; gestational diabetes, GD; small-for-gestational age newborn, SGA; large-for-gestational age newborn, LGA). We performed CNV calling based on genome-wide genotyping dataset (Illumina HumanOmniExpress-24-v1 BeadChip) by applying three algorithms, QuantiSNP, GADA (Genome Alteration Detection Algorithm) and CNstream in parallel. The acquired CNV calls were merged with HD-CNV (Hotspot Detector for Copy Number Variants) program and only the CNVs predicted by at least two programs, were considered in subsequent analysis.

Literature cited by the submitters: PubMed 25666259.

NC_000001.11:g.94401500_94669347dup

Genes: ABCD3 (ATP binding cassette subfamily D member 3; plus strand), F3 (coagulation factor III, tissue factor; minus strand), MIR12133 (microRNA 12133; plus strand), SLC44A3-AS1 (SLC44A3 antisense RNA 1; minus strand), LOC126805797 (P300/CBP strongly-dependent group 1 enhancer GRCh37_chr1:95070951-95072150; plus strand) and 2 more. Cytogenetic location: 1p21.3.
Variant type: Duplication.
Identifiers: ClinVar variation 156742 (VCV000156742.3).